The following is an entry in ClinVar:

NM_007118.4(TRIO):c.6922_6927dup (p.Ser2308_Gly2309dup)

Gene: TRIO (trio Rho guanine nucleotide exchange factor; plus strand). Cytogenetic location: 5p15.2.
Variant type: Duplication.
Coding change: c.6922_6927dup on transcript NM_007118.4 (MANE Select); coding-DNA positions 6922 to 6927, 6 bases duplicated (AGCGGC; older notation c.6922_6927dupAGCGGC).
Protein change: p.Ser2308_Gly2309dup.
Molecular consequence: inframe insertion. On other transcripts: non-coding transcript variant (1).
Genome position (GRCh38, 1-based): chr5:14,487,550-14,487,555, AGCGGC duplicated; duplicating any 6 consecutive bases within chr5:14,487,547-14,487,555 gives the same sequence; the c. name uses the placement nearest the transcript's 3' end. VCF-style (leftmost placement, unchanged base first): chr5-14487546-G-GGGCAGC. GRCh37 (hg19) VCF-style: chr5-14487655-G-GGGCAGC.
Identifiers: ClinVar variation 1308022 (VCV001308022.3), dbSNP rs2126634805, ClinGen allele CA2573052442.

ClinVar aggregate classification (germline): Uncertain significance (1 of 4 stars; one submission).

Submission:

GeneDx
Classification: Uncertain significance. Last evaluated: 2024-08-15. Review status: criteria provided, single submitter. Criteria: GeneDx Variant Classification Process June 2021. Collection method: clinical testing. Allele origin: germline. Affected: yes.
Comment: Not observed at significant frequency in large population cohorts (gnomAD); In-frame duplication of 2 amino acids in a non-repeat region; Has not been previously published as pathogenic or benign to our knowledge